The following is an entry in ClinVar:

NM_000051.4(ATM):c.4109+9A>C

Gene: ATM (ATM serine/threonine kinase; plus strand). Cytogenetic location: 11q22.3.
Variant type: single nucleotide variant.
Coding change: c.4109+9A>C on transcript NM_000051.4 (MANE Select); 9 bases into the intron after coding-DNA position 4109, A replaced by C.
Molecular consequence: intron variant.
Genome position (GRCh38, 1-based): chr11:108,287,724, A>C. VCF-style: chr11-108287724-A-C. GRCh37 (hg19) VCF-style: chr11-108158451-A-C.
Other names: c.4109+9A>C (NM_001351834.2).
Identifiers: ClinVar variation 181860 (VCV000181860.10), dbSNP rs730881289, ClinGen allele CA298000.

ClinVar aggregate classification (germline): Benign/Likely benign. Review status: criteria provided, multiple submitters, no conflicts (2 of 4 stars). 3 submissions from 3 submitters: Benign (1); Likely benign (2). Last evaluated 2025-12-15.

Conditions:
Familial cancer of breast. Also called: BREAST CANCER, FAMILIAL; hereditary breast carcinoma; Hereditary breast cancer. Identifiers: Orphanet 227535, MedGen C0346153, MONDO:0016419, OMIM 114480. Disease mechanism: loss of function.
Ataxia-telangiectasia syndrome (AT). Also called: LOUIS-BAR SYNDROME; Cerebello-oculocutaneous telangiectasia; Immunodeficiency with ataxia telangiectasia; ATAXIA-TELANGIECTASIA, COMPLEMENTATION GROUP A; ATAXIA-TELANGIECTASIA, FRESNO VARIANT; Ataxia-telangiectasia. Identifiers: Orphanet 100, MedGen C0004135, MONDO:0008840, OMIM 208900.

Allele frequency attached by ClinVar (database versions not stated): gnomAD exomes 0.00001.
gnomAD v4.1: 16 of 1,592,368 alleles (0.001%); highest among the groups gnomAD compares: East Asian, 0.036%; no homozygotes.

Submissions (3):

Labcorp Genetics (formerly Invitae), Labcorp
Classification: Likely benign for Ataxia-telangiectasia syndrome. Last evaluated: 2025-12-15. Review status: criteria provided, single submitter. Criteria: Invitae Variant Classification Sherloc (09022015). Collection method: clinical testing. Allele origin: germline.

Myriad Genetics, Inc.
Classification: Likely benign for Familial cancer of breast. Last evaluated: 2024-05-16. Review status: criteria provided, single submitter. Criteria: Myriad Autosomal Dominant, Autosomal Recessive and X-Linked Classification Criteria (2023). Collection method: clinical testing. Allele origin: unknown.
Comment: This variant is considered likely benign. This variant is intronic and is not expected to impact mRNA splicing.

GeneDx
Classification: Benign. Last evaluated: 2014-08-08. Review status: criteria provided, single submitter. Criteria: GeneDx Variant Classification (06012015). Collection method: clinical testing. Allele origin: germline. Affected: yes.
Comment: This variant is considered likely benign or benign based on one or more of the following criteria: it is a conservative change, it occurs at a poorly conserved position in the protein, it is predicted to be benign by multiple in silico algorithms, and/or has population frequency not consistent with disease.